The following is an entry in ClinVar:

NM_004369.4(COL6A3):c.2320T>C (p.Phe774Leu)

Gene: COL6A3 (collagen type VI alpha 3 chain; minus strand). Cytogenetic location: 2q37.3.
Variant type: single nucleotide variant.
Coding change: c.2320T>C on transcript NM_004369.4 (MANE Select); coding-DNA position 2320, T replaced by C.
Protein change: p.Phe774Leu; replaces phenylalanine 774 with leucine.
Molecular consequence: missense variant. On other transcripts: intron variant (1).
Genome position (GRCh38, 1-based): chr2:237,378,813, A>G on the plus strand (T>C on the coding strand, the complement: COL6A3 is on the minus strand). VCF-style: chr2-237378813-A-G. GRCh37 (hg19) VCF-style: chr2-238287456-A-G.
Other names: c.1099T>C, p.Phe367Leu (NM_057164.5); c.1702T>C, p.Phe568Leu (NM_057165.5, NM_057167.4); c.677-1469T>C (NM_057166.5); short protein forms F568L, F774L, F367L.
Identifiers: ClinVar variation 864284 (VCV000864284.36), dbSNP rs572969883, ClinGen allele CA2189428.

ClinVar aggregate classification (germline): Conflicting classifications of pathogenicity. Review status: criteria provided, conflicting classifications (1 of 4 stars). 4 submissions from 4 submitters: Uncertain significance (2); Benign (1); Likely benign (1). Last evaluated 2025-07-30.

Conditions:
Collagen 6-related myopathy. Identifiers: MedGen CN117976, MONDO:0100225.
Bethlem myopathy 1A. Also called: Bethlem myopathy 1; MYOPATHY, BENIGN CONGENITAL, WITH CONTRACTURES; Bethlem Muscular Dystrophy. Identifiers: Orphanet 610, MedGen CN029274, MONDO:0024530, OMIM 158810.

Allele frequency attached by ClinVar (database versions not stated): gnomAD exomes 0.00002 and 0.00008; gnomAD 0.00003; ExAC 0.00012; 1000 Genomes Project 30x 0.00062; 1000 Genomes Project 0.00080.
gnomAD v4.1: 38 of 1,614,204 alleles (0.0024%); highest among the groups gnomAD compares: South Asian, 0.041%; no homozygotes.

Submissions (4):

GeneDx
Classification: Uncertain significance. Last evaluated: 2025-07-30. Review status: criteria provided, single submitter. Criteria: GeneDx Variant Classification Process June 2021. Collection method: clinical testing. Allele origin: germline. Affected: yes.
Comment: In silico analysis supports that this missense variant has a deleterious effect on protein structure/function; Has not been previously published as pathogenic or benign to our knowledge

CeGaT Center for Human Genetics Tuebingen
Classification: Uncertain significance. Last evaluated: 2024-05-01. Review status: criteria provided, single submitter. Criteria: CeGaT Center For Human Genetics Tuebingen Variant Classification Criteria Version 2. Collection method: clinical testing. Allele origin: germline. Affected: yes. Observed: 1 variant allele.

Labcorp Genetics (formerly Invitae), Labcorp
Classification: Likely benign for Bethlem myopathy 1A. Last evaluated: 2022-06-24. Review status: criteria provided, single submitter. Criteria: Invitae Variant Classification Sherloc (09022015). Collection method: clinical testing. Allele origin: germline.

Illumina Laboratory Services, Illumina
Classification: Benign for Collagen VI-related myopathy. Last evaluated: 2018-01-12. Review status: criteria provided, single submitter. Criteria: ICSL Variant Classification Criteria 13 December 2019. Collection method: clinical testing. Allele origin: germline.
Comment: This variant was observed in the ICSL laboratory as part of a predisposition screen in an ostensibly healthy population. It had not been previously curated by ICSL or reported in the Human Gene Mutation Database (HGMD: prior to June 1st, 2018), and was therefore a candidate for classification through an automated scoring system. Utilizing variant allele frequency, disease prevalence and penetrance estimates, and inheritance mode, an automated score was calculated to assess if this variant is too frequent to cause the disease. Based on the score and internal cut-off values, a variant classified as benign is not then subjected to further curation. The score for this variant resulted in a classification of benign for this disease.